The following is an entry in ClinVar:

NM_024426.6(WT1):c.1499G>T (p.Arg500Leu)

Gene: WT1 (WT1 transcription factor; minus strand). Cytogenetic location: 11p13.
Variant type: single nucleotide variant.
Coding change: c.1499G>T on transcript NM_024426.6 (MANE Select); coding-DNA position 1499, G replaced by T.
Protein change: p.Arg500Leu; replaces arginine 500 with leucine.
Molecular consequence: missense variant. On other transcripts: non-coding transcript variant (2).
Genome position (GRCh38, 1-based): chr11:32,389,128, C>A on the plus strand (G>T on the coding strand, the complement: WT1 is on the minus strand). VCF-style: chr11-32389128-C-A. GRCh37 (hg19) VCF-style: chr11-32410674-C-A.
Other names: c.1367G>T, p.Arg456Leu (NM_001407047.1); c.1358G>T, p.Arg453Leu (NM_001407048.1); c.1355G>T, p.Arg452Leu (NM_001407049.1); c.1325G>T, p.Arg442Leu (NM_001407050.1); c.737G>T, p.Arg246Leu (NM_001407051.1); c.1490G>T, p.Arg497Leu (NM_024424.5); c.1439G>T, p.Arg480Leu (NM_000378.6); c.839G>T, p.Arg280Leu (NM_001198551.2); and 5 more; short protein forms R104L, R246L, R266L, R280L, R442L, R452L, R453L, R456L.
Identifiers: ClinVar variation 3256922 (VCV003256922.2).

ClinVar aggregate classification (germline): Likely pathogenic (1 of 4 stars; one submission).

Conditions:
WT1-related disorder. Also called: WT1-related disorders. Identifiers: MedGen CN377814.

Submission:

Kasturba Medical College, Manipal, Kasturba Medical College, Manipal, Manipal Academy of Higher Education, Manipal, India
Classification: Likely pathogenic for WT1-related disorder. Review status: criteria provided, single submitter. Criteria: ACMG Guidelines, 2015. Collection method: clinical testing. Allele origin: de novo. Inheritance: Autosomal dominant inheritance. Affected: yes. Observed: 1 heterozygote.
Comment: In-silico analysis tools (CADD, MutationTaster, Revel) predict the variant c.1499G>T to be disease-causing and likely to affect the WT1 protein function. The clinical findings observed in the proband overlap with WT1-related disorder.